The following is an entry in ClinVar:

NM_020631.6(PLEKHG5):c.2234C>G (p.Pro745Arg)

Gene: PLEKHG5 (pleckstrin homology and RhoGEF domain containing G5; minus strand). Cytogenetic location: 1p36.31.
Variant type: single nucleotide variant.
Coding change: c.2234C>G on transcript NM_020631.6 (MANE Select); coding-DNA position 2234, C replaced by G.
Protein change: p.Pro745Arg; replaces proline 745 with arginine.
Molecular consequence: missense variant.
Genome position (GRCh38, 1-based): chr1:6,469,057, G>C on the plus strand (C>G on the coding strand, the complement: PLEKHG5 is on the minus strand). VCF-style: chr1-6469057-G-C. GRCh37 (hg19) VCF-style: chr1-6529117-G-C.
Other names: c.2345C>G, p.Pro782Arg (NM_001042663.3, NM_001265592.2); c.2234C>G, p.Pro745Arg (NM_001042664.2, NM_001042665.2, NM_001265594.3 and 1 more transcripts); c.2441C>G, p.Pro814Arg (NM_001265593.2); short protein forms P782R, P814R, P745R.
Identifiers: ClinVar variation 1958018 (VCV001958018.5), dbSNP rs536038159, ClinGen allele CA561213.
Genomic context (GRCh38, chr1:6,469,057, plus strand): 5'-TACTTGTCCTGGTTTGACCTGCTGGGTGGTCATGAGCAGACGTACCAGTGCTGAGAGTCG[G>C]GGCTGCCGCTGCTTTTCCGCATGATGGTAGGGGAGCTGGCAGCTGAAGTGCCACTGTCCT-3'
Protein context (NP_065682.2, residues 735-755): PTIMRKSSGS[Pro745Arg]DSQHCASDGS

ClinVar aggregate classification (germline): Uncertain significance (1 of 4 stars; one submission).

Conditions:
Charcot-Marie-Tooth disease recessive intermediate C. Also called: CHARCOT-MARIE-TOOTH NEUROPATHY, RECESSIVE INTERMEDIATE C. Identifiers: Orphanet 369867, MedGen C3809309, MONDO:0014154, OMIM 615376.
Neuronopathy, distal hereditary motor, autosomal recessive 4. Also called: Autosomal recessive lower motor neuron disease with childhood onset; NEUROPATHY, DISTAL HEREDITARY MOTOR, AUTOSOMAL RECESSIVE 4. Identifiers: Orphanet 206580, MedGen C1970211, MONDO:0012608, OMIM 611067.

Allele frequency attached by ClinVar (database versions not stated): TOPMed below 0.00001; ExAC 0.00001; gnomAD 0.00001; 1000 Genomes Project 0.00020; 1000 Genomes Project 30x 0.00031.
gnomAD v4.1: 1 of 1,613,490 alleles (0.000062%); highest among the groups gnomAD compares: Admixed American, 0.0017%; no homozygotes.

Submission:

Labcorp Genetics (formerly Invitae), Labcorp
Classification: Uncertain significance for Neuronopathy, distal hereditary motor, autosomal recessive 4; Charcot-Marie-Tooth disease recessive intermediate C. Last evaluated: 2022-04-15. Review status: criteria provided, single submitter. Criteria: Invitae Variant Classification Sherloc (09022015). Collection method: clinical testing. Allele origin: germline.
Comment: This variant is present in population databases (rs536038159, gnomAD 0.003%). In summary, the available evidence is currently insufficient to determine the role of this variant in disease. Therefore, it has been classified as a Variant of Uncertain Significance. Algorithms developed to predict the effect of missense changes on protein structure and function are either unavailable or do not agree on the potential impact of this missense change (SIFT: "Deleterious"; PolyPhen-2: "Benign"; Align-GVGD: "Class C0"). This variant has not been reported in the literature in individuals affected with PLEKHG5-related conditions. This sequence change replaces proline, which is neutral and non-polar, with arginine, which is basic and polar, at codon 745 of the PLEKHG5 protein (p.Pro745Arg).